The following is an entry in ClinVar:

ClinVar aggregate classification (germline): Conflicting classifications of pathogenicity. Review status: criteria provided, conflicting classifications (1 of 4 stars). 5 submissions from 5 submitters: Pathogenic (3); Likely pathogenic (1); Uncertain significance (1). Last evaluated 2025-02-12.

Conditions:
KIF1A related neurological disorder. Identifiers: MedGen CN312623, MONDO:0700055.
Hereditary spastic paraplegia 30. Identifiers: Orphanet 101010, MedGen C5235139, MONDO:0012476.
Neuropathy, hereditary sensory, type 2C. Also called: Hereditary sensory and autonomic neuropathy type IIC; KIF1A-Related HSAN2 (HSAN2C). Identifiers: Orphanet 970, MedGen C3280168, MONDO:0013634, OMIM 614213.
Intellectual disability, autosomal dominant 9 (NESCAVS). Also called: KIF1A-Related Neurodevelopmental Disorder; NESCAV SYNDROME. Identifiers: Orphanet 662367, MedGen C5393830, MONDO:0013656, OMIM 614255.

Submissions (5):

Victorian Clinical Genetics Services, Murdoch Childrens Research Institute
Classification: Pathogenic for KIF1A related neurological disorder. Last evaluated: 2025-02-12. Review status: criteria provided, single submitter. Criteria: ACMG Guidelines, 2015. Collection method: clinical testing. Allele origin: germline. Affected: yes.
Comment: This variant is classified as Pathogenic. Evidence in support of pathogenic classification: Variant is absent from gnomAD (v2, v3 and v4); This variant has strong previous evidence of pathogenicity in unrelated individuals. This variant has been classified as pathogenic and as a VUS by diagnostic laboratories in ClinVar, and reported as de novo in the literature in an individual with syndromic developmental delay (DECIPHER, PMID: 25533962); Missense variant predicted to be damaging by in silico tool(s) or highly conserved with a major amino acid change; Additional information: Variant is predicted to result in a missense amino acid change from tyrosine to cysteine; This variant is heterozygous; This gene is associated with both recessive and dominant disease. Genotype-phenotype correlation is currently unestablished. Missense variants tend to cluster within the kinesin motor domain and have been reported for autosomal dominant and recessive spastic paraplegia, and autosomal dominant NESCAV syndrome. Only the correlation for hereditary sensory neuropathy type IIC is established with all patients except for one, carrying null variants outside the motor domain (PMID: 32737135); Variant is located in the annotated kinesin motor domain (DECIPHER); Dominant negative, loss of function and gain of function are known mechanisms of disease in this gene. Dominant negative effect has been shown to cause NESCAV syndrome (MIM#614255; OMIM). Both loss and gain of function mechanisms have been reported for variants causing spastic paraplegia 30 (MIM#610357, MIM#620607) and hereditary sensory neuropathy type IIC (MIM#614213) (PMIDs: 31488895, 31455732).

GeneDx
Classification: Pathogenic. Last evaluated: 2023-09-16. Review status: criteria provided, single submitter. Criteria: GeneDx Variant Classification Process June 2021. Collection method: clinical testing. Allele origin: germline. Affected: yes.
Comment: Not observed at significant frequency in large population cohorts (gnomAD); In silico analysis supports that this missense variant has a deleterious effect on protein structure/function; Has not been previously published as pathogenic or benign to our knowledge; This variant is associated with the following publications: (PMID: 26125038, 21820098, 21376300)

Labcorp Genetics (formerly Invitae), Labcorp
Classification: Uncertain significance for Hereditary spastic paraplegia 30; Neuropathy, hereditary sensory, type 2C; Intellectual disability, autosomal dominant 9. Last evaluated: 2022-11-01. Review status: criteria provided, single submitter. Criteria: Invitae Variant Classification Sherloc (09022015). Collection method: clinical testing. Allele origin: germline.
Comment: In summary, the available evidence is currently insufficient to determine the role of this variant in disease. Therefore, it has been classified as a Variant of Uncertain Significance. Algorithms developed to predict the effect of missense changes on protein structure and function (SIFT, PolyPhen-2, Align-GVGD) all suggest that this variant is likely to be disruptive. ClinVar contains an entry for this variant (Variation ID: 245928). This variant has not been reported in the literature in individuals affected with KIF1A-related conditions. This variant is not present in population databases (gnomAD no frequency). This sequence change replaces tyrosine, which is neutral and polar, with cysteine, which is neutral and slightly polar, at codon 347 of the KIF1A protein (p.Tyr347Cys).

Baylor Genetics
Classification: Pathogenic for Spastic paraplegia 30A, autosomal dominant. Last evaluated: 2018-11-06. Review status: criteria provided, single submitter. Criteria: ACMG Guidelines, 2015. Collection method: clinical testing. Allele origin: de novo. Affected: yes.
Comment: This variant was determined to be pathogenic according to ACMG Guidelines, 2015 [PMID:25741868].

Kasturba Medical College, Manipal, Kasturba Medical College, Manipal, Manipal Academy of Higher Education, Manipal, India
Classification: Likely pathogenic for Intellectual disability, autosomal dominant 9. Review status: criteria provided, single submitter. Criteria: ACMG Guidelines, 2015. Collection method: research. Allele origin: de novo. Inheritance: Autosomal dominant inheritance. Affected: yes. Observed: 1 heterozygote.
Comment: This variant is absent in heterozygous and/or homozygous state from the population database gnomAD (v4.1.0) and our in-house database of 3565 exomes. In silico prediction tools (CADD_Phred, REVEL, MutationTaster, ClinPred) are consistent in predicting the variant to be damaging to the protein function. Monoallelic variants in KIF1A has been reported to be associated with NESCAV syndrome and spastic paraplegia 30. The clinical features observed in the proband are in concordance with NESCA syndrome. Thus, the above-mentioned variant in heterozygous de novo state is interpreted to be the likely cause for the condition observed in the proband.

Literature cited by the submitters: PubMed 25533962 (cited by Victorian Clinical Genetics Services, Murdoch Childrens Research Institute); PubMed 32737135 (cited by Victorian Clinical Genetics Services, Murdoch Childrens Research Institute); PubMed 31488895 (cited by Victorian Clinical Genetics Services, Murdoch Childrens Research Institute); PubMed 31455732 (cited by Victorian Clinical Genetics Services, Murdoch Childrens Research Institute).

NM_001244008.2(KIF1A):c.1040A>G (p.Tyr347Cys)

Gene: KIF1A (kinesin family member 1A; minus strand). Cytogenetic location: 2q37.3.
Variant type: single nucleotide variant.
Coding change: c.1040A>G on transcript NM_001244008.2 (MANE Select); coding-DNA position 1040, A replaced by G.
Protein change: p.Tyr347Cys; replaces tyrosine 347 with cysteine.
Molecular consequence: missense variant.
Genome position (GRCh38, 1-based): chr2:240,773,254, T>C on the plus strand (A>G on the coding strand, the complement: KIF1A is on the minus strand). VCF-style: chr2-240773254-T-C. GRCh37 (hg19) VCF-style: chr2-241712671-T-C.
Other names: c.1040A>G, p.Tyr347Cys (NM_001320705.2, NM_001330289.2, NM_001330290.2 and 20 more transcripts); short protein forms Y347C.
Identifiers: ClinVar variation 245928 (VCV000245928.11), dbSNP rs879254004, ClinGen allele CA10584195.